The following is an entry in ClinVar:

NM_000238.4(KCNH2):c.1128+1820_1128+1821del

Gene: KCNH2 (potassium voltage-gated channel subfamily H member 2; minus strand). Cytogenetic location: 7q36.1.
Variant type: Deletion.
Coding change: c.1128+1820_1128+1821del on transcript NM_000238.4 (MANE Select); bases 1820 to 1821 of the intron after coding-DNA position 1128, 2 bases deleted (AG; older notation c.1128+1820_1128+1821delAG).
Molecular consequence: intron variant. On other transcripts: frameshift variant (2), non-coding transcript variant (1).
Genome position (GRCh38, 1-based): chr7:150,955,470-150,955,471, CT deleted on the plus strand (AG on the coding strand, the reverse complement: KCNH2 is on the minus strand). VCF-style (leftmost placement, unchanged base first): chr7-150955469-CCT-C. GRCh37 (hg19) VCF-style: chr7-150652557-CCT-C.
Other names: c.33_34del, p.Ala13fs (NM_001204798.2, NM_172057.3); c.840+1820_840+1821del (NM_001406753.1, NM_001406756.1); c.1128+1820_1128+1821del (NM_172056.3); c.951+1820_951+1821del (NM_001406755.1); c.828+1820_828+1821del (NM_001406757.1); short protein forms A13fs.
Identifiers: ClinVar variation 420468 (VCV000420468.7), dbSNP rs1064794494, ClinGen allele CA16618412.

ClinVar aggregate classification (germline): Conflicting classifications of pathogenicity. Review status: criteria provided, conflicting classifications (1 of 4 stars). 2 submissions from 2 submitters: Likely pathogenic (1); Likely benign (1). Last evaluated 2019-07-27.

Conditions:
Cardiac arrhythmia. Also called: Arrhythmia; Cardiac rhythm disease. Identifiers: MedGen C0003811, MONDO:0007263, HP:0011675.

Allele frequency attached by ClinVar (database versions not stated): gnomAD 0.00001; gnomAD exomes 0.00001; TOPMed 0.00002.

Submissions (2):

Color Diagnostics, LLC DBA Color Health
Classification: Likely benign for Arrhythmia. Last evaluated: 2019-07-27. Review status: criteria provided, single submitter. Criteria: ACMG Guidelines, 2015. Collection method: clinical testing. Allele origin: germline.

GeneDx
Classification: Likely pathogenic. Last evaluated: 2016-02-11. Review status: criteria provided, single submitter. Criteria: GeneDx Variant Classification (06012015). Collection method: clinical testing. Allele origin: germline. Affected: yes.
Comment: Although the c.33_34delAG variant in the KCNH2 gene has not been reported to our knowledge, this variant causes a shift in reading frame starting at codon Alanine 13, changing it to a Serine, and creating a premature stop codon at position 34 of the new reading frame, denoted p.Ala13SerfsX34. This variant is expected to result in either an abnormal, truncated protein product or loss of protein from this allele through nonsense-mediated mRNA decay. Furthermore, the c.33_34delAG variant was not observed in approximately 6,300 individuals of European and African American ancestry in the NHLBI Exome Sequencing Project (average read depth 7.0). Finally, while other frameshift variants in the KCNH2 gene have not been reported in this transcript in HGMD in association with LQTS, missense variants resulting in a loss of function have been reported in this transcript in association with LQTS (Stenson et al., 2014).